The following is an entry in ClinVar:

NM_003630.3(PEX3):c.389G>A (p.Arg130Gln)

Gene: PEX3 (peroxisomal biogenesis factor 3; plus strand). Cytogenetic location: 6q24.2.
Variant type: single nucleotide variant.
Coding change: c.389G>A on transcript NM_003630.3 (MANE Select); coding-DNA position 389, G replaced by A.
Protein change: p.Arg130Gln; replaces arginine 130 with glutamine.
Molecular consequence: missense variant.
Genome position (GRCh38, 1-based): chr6:143,471,018, G>A. VCF-style: chr6-143471018-G-A. GRCh37 (hg19) VCF-style: chr6-143792155-G-A.
Other names: short protein forms R130Q.
Identifiers: ClinVar variation 425395 (VCV000425395.52), dbSNP rs758701470, ClinGen allele CA4029552.

ClinVar aggregate classification (germline): Conflicting classifications of pathogenicity. Review status: criteria provided, conflicting classifications (1 of 4 stars). 3 submissions from 3 submitters: Likely pathogenic (1); Uncertain significance (2). Last evaluated 2022-11-22.

Allele frequency attached by ClinVar (database versions not stated): gnomAD exomes below 0.00001 and 0.00001; ExAC 0.00002.
gnomAD v4.1: 6 of 1,612,692 alleles (0.00037%); highest among the groups gnomAD compares: Admixed American, 0.0017%; no homozygotes.

Submissions (3):

Labcorp Genetics (formerly Invitae), Labcorp
Classification: Uncertain significance. Last evaluated: 2022-11-22. Review status: criteria provided, single submitter. Criteria: Invitae Variant Classification Sherloc (09022015). Collection method: clinical testing. Allele origin: germline.
Comment: In summary, the available evidence is currently insufficient to determine the role of this variant in disease. Therefore, it has been classified as a Variant of Uncertain Significance. Algorithms developed to predict the effect of sequence changes on RNA splicing suggest that this variant may disrupt the consensus splice site. Advanced modeling of protein sequence and biophysical properties (such as structural, functional, and spatial information, amino acid conservation, physicochemical variation, residue mobility, and thermodynamic stability) performed at Invitae indicates that this missense variant is expected to disrupt PEX3 protein function. ClinVar contains an entry for this variant (Variation ID: 425395). This variant has not been reported in the literature in individuals affected with PEX3-related conditions. This variant is present in population databases (rs758701470, gnomAD 0.003%). This sequence change replaces arginine, which is basic and polar, with glutamine, which is neutral and polar, at codon 130 of the PEX3 protein (p.Arg130Gln).

Eurofins Ntd Llc (ga)
Classification: Uncertain significance. Last evaluated: 2016-11-01. Review status: criteria provided, single submitter. Criteria: EGL Classification Definitions 2015. Collection method: clinical testing. Allele origin: germline. Observed: 1 variant allele, 1 heterozygote.

CeGaT Center for Human Genetics Tuebingen
Classification: Likely pathogenic. Last evaluated: 2016-10-01. Review status: criteria provided, single submitter. Criteria: CeGaT Center For Human Genetics Tuebingen Variant Classification Criteria Version 2. Collection method: clinical testing. Allele origin: germline. Affected: yes. Observed: 1 variant allele.